The following is an entry in ClinVar:

ClinVar aggregate classification (germline): Uncertain significance (1 of 4 stars; one submission).

gnomAD v4.1: 16 of 1,613,742 alleles (0.00099%); highest among the groups gnomAD compares: South Asian, 0.0022%; no homozygotes.

Submission:

Labcorp Genetics (formerly Invitae), Labcorp
Classification: Uncertain significance. Last evaluated: 2025-10-15. Review status: criteria provided, single submitter. Criteria: Invitae Variant Classification Sherloc (09022015). Collection method: clinical testing. Allele origin: germline.
Comment: This sequence change replaces threonine, which is neutral and polar, with alanine, which is neutral and non-polar, at codon 767 of the NBAS protein (p.Thr767Ala). This variant is present in population databases (no rsID available, gnomAD 0.0009%). This variant has not been reported in the literature in individuals affected with NBAS-related conditions. Invitae Evidence Modeling of protein sequence and biophysical properties (such as structural, functional, and spatial information, amino acid conservation, physicochemical variation, residue mobility, and thermodynamic stability) indicates that this missense variant is not expected to disrupt NBAS protein function with a negative predictive value of 95%. In summary, the available evidence is currently insufficient to determine the role of this variant in disease. Therefore, it has been classified as a Variant of Uncertain Significance.

NM_015909.4(NBAS):c.2299A>G (p.Thr767Ala)

Gene: NBAS (NBAS subunit of NRZ tethering complex; minus strand). Cytogenetic location: 2p24.3.
Variant type: single nucleotide variant.
Coding change: c.2299A>G on transcript NM_015909.4 (MANE Select); coding-DNA position 2299, A replaced by G.
Protein change: p.Thr767Ala; replaces threonine 767 with alanine.
Molecular consequence: missense variant. On other transcripts: non-coding transcript variant (1).
Genome position (GRCh38, 1-based): chr2:15,461,241, T>C on the plus strand (A>G on the coding strand, the complement: NBAS is on the minus strand). VCF-style: chr2-15461241-T-C. GRCh37 (hg19) VCF-style: chr2-15601365-T-C.
Other names: short protein forms T767A.
Identifiers: ClinVar variation 4779224 (VCV004779224.1).